The following is an entry in ClinVar:

NM_182961.4(SYNE1):c.4439A>G (p.Asp1480Gly)

Gene: SYNE1 (spectrin repeat containing nuclear envelope protein 1; minus strand). Cytogenetic location: 6q25.2.
Variant type: single nucleotide variant.
Coding change: c.4439A>G on transcript NM_182961.4 (MANE Select); coding-DNA position 4439, A replaced by G.
Protein change: p.Asp1480Gly; replaces aspartic acid 1480 with glycine.
Molecular consequence: missense variant.
Genome position (GRCh38, 1-based): chr6:152,433,817, T>C on the plus strand (A>G on the coding strand, the complement: SYNE1 is on the minus strand). VCF-style: chr6-152433817-T-C. GRCh37 (hg19) VCF-style: chr6-152754952-T-C.
Other names: c.4460A>G, p.Asp1487Gly (NM_033071.5); short protein forms D1487G, D1480G.
Identifiers: ClinVar variation 642588 (VCV000642588.8), dbSNP rs1289977041, ClinGen allele CA366143432.

ClinVar aggregate classification (germline): Uncertain significance (1 of 4 stars; one submission).

Conditions:
Autosomal recessive ataxia, Beauce type. Also called: Spinocerebellar ataxia, autosomal recessive 8; ATAXIA, RECESSIVE, OF BEAUCE; SYNE1 Deficiency; SYNE1-Related Autosomal Recessive Cerebellar Ataxia. Identifiers: Orphanet 88644, MedGen C1853116, MONDO:0012549, OMIM 610743.
Emery-Dreifuss muscular dystrophy 4, autosomal dominant (EDMD4). Also called: EMERY-DREIFUSS MUSCULAR DYSTROPHY 4 WITH VARIABLE FEATURES. Identifiers: Orphanet 261, MedGen C2751807, MONDO:0013071, OMIM 612998.

Allele frequency attached by ClinVar (database versions not stated): gnomAD 0.00001; gnomAD exomes 0.00001.
gnomAD v4.1: 14 of 1,613,866 alleles (0.00087%); highest among the groups gnomAD compares: East Asian, 0.018%; no homozygotes.

Submission:

Labcorp Genetics (formerly Invitae), Labcorp
Classification: Uncertain significance for Emery-Dreifuss muscular dystrophy 4, autosomal dominant; Autosomal recessive ataxia, Beauce type. Last evaluated: 2022-07-21. Review status: criteria provided, single submitter. Criteria: Invitae Variant Classification Sherloc (09022015). Collection method: clinical testing. Allele origin: germline.
Comment: In summary, the available evidence is currently insufficient to determine the role of this variant in disease. Therefore, it has been classified as a Variant of Uncertain Significance. Algorithms developed to predict the effect of missense changes on protein structure and function are either unavailable or do not agree on the potential impact of this missense change (SIFT: "Deleterious"; PolyPhen-2: "Possibly Damaging"; Align-GVGD: "Class C0"). ClinVar contains an entry for this variant (Variation ID: 642588). This variant has not been reported in the literature in individuals affected with SYNE1-related conditions. This variant is present in population databases (no rsID available, gnomAD 0.002%). This sequence change replaces aspartic acid, which is acidic and polar, with glycine, which is neutral and non-polar, at codon 1487 of the SYNE1 protein (p.Asp1487Gly).